The following is an entry in ClinVar:

ClinVar aggregate classification (germline): Conflicting classifications of pathogenicity. Review status: criteria provided, conflicting classifications (1 of 4 stars). 2 submissions from 2 submitters: Uncertain significance (1); Likely benign (1). Last evaluated 2023-03-23.

Conditions:
Hereditary cancer-predisposing syndrome. Also called: Hereditary neoplastic syndrome; Tumor predisposition; Hereditary Cancer Syndrome; Neoplastic Syndromes, Hereditary. Identifiers: Orphanet 140162, MedGen C0027672, MeSH D009386, MONDO:0015356.
Hereditary breast ovarian cancer syndrome. Also called: Hereditary breast and ovarian cancer syndrome; BRCA1- and BRCA2-Associated Hereditary Breast and Ovarian Cancer; Hereditary breast and ovarian cancer syndrome (HBOC); Hereditary breast and/or ovarian cancer syndrome; Hereditary breast and ovarian cancer; Breast and ovarian cancer. Identifiers: Orphanet 145, MedGen C0677776, MeSH D061325, MONDO:0003582. Disease mechanism: loss of function.

Submissions (2):

University of Washington Department of Laboratory Medicine, University of Washington
Classification: Likely benign for Hereditary cancer-predisposing syndrome. Last evaluated: 2023-03-23. Review status: criteria provided, single submitter. Criteria: Dines et al. (Genet Med. 2020). Collection method: curation. Allele origin: germline.
Comment: Missense variant in a coldspot region where missense variants are very unlikely to be pathogenic (PMID:31911673).

BRCA2 exon 10 coldspot. Reclassification based on statistical prior probability.

Labcorp Genetics (formerly Invitae), Labcorp
Classification: Uncertain significance for Hereditary breast ovarian cancer syndrome. Last evaluated: 2022-04-12. Review status: criteria provided, single submitter. Criteria: Invitae Variant Classification Sherloc (09022015). Collection method: clinical testing. Allele origin: germline.
Comment: This variant is not present in population databases (gnomAD no frequency). In summary, the available evidence is currently insufficient to determine the role of this variant in disease. Therefore, it has been classified as a Variant of Uncertain Significance. Advanced modeling of protein sequence and biophysical properties (such as structural, functional, and spatial information, amino acid conservation, physicochemical variation, residue mobility, and thermodynamic stability) performed at Invitae indicates that this missense variant is not expected to disrupt BRCA2 protein function. This variant has not been reported in the literature in individuals affected with BRCA2-related conditions. This sequence change replaces threonine, which is neutral and polar, with serine, which is neutral and polar, at codon 582 of the BRCA2 protein (p.Thr582Ser).

NM_000059.4(BRCA2):c.1744A>T (p.Thr582Ser)

Gene: BRCA2 (BRCA2 DNA repair associated; plus strand). Cytogenetic location: 13q13.1.
Variant type: single nucleotide variant.
Coding change: c.1744A>T on transcript NM_000059.4 (MANE Select); coding-DNA position 1744, A replaced by T.
Protein change: p.Thr582Ser; replaces threonine 582 with serine.
Molecular consequence: missense variant.
Genome position (GRCh38, 1-based): chr13:32,333,222, A>T. VCF-style: chr13-32333222-A-T. GRCh37 (hg19) VCF-style: chr13-32907359-A-T.
Other names: c.1744A>T, p.Thr582Ser (NM_001406719.1, NM_001406720.1, NM_001406721.1); short protein forms T582S.
Identifiers: ClinVar variation 2125366 (VCV002125366.6), dbSNP rs80358457, ClinGen allele CA387765460.